The following is an entry in ClinVar:

NM_152564.5(VPS13B):c.5126T>C (p.Leu1709Pro)

Gene: VPS13B (vacuolar protein sorting 13 homolog B; plus strand). Cytogenetic location: 8q22.2.
Variant type: single nucleotide variant.
Coding change: c.5126T>C on transcript NM_152564.5 (MANE Select); coding-DNA position 5126, T replaced by C.
Protein change: p.Leu1709Pro; replaces leucine 1709 with proline.
Molecular consequence: missense variant.
Genome position (GRCh38, 1-based): chr8:99,577,539, T>C. VCF-style: chr8-99577539-T-C. GRCh37 (hg19) VCF-style: chr8-100589767-T-C.
Other names: c.5201T>C, p.Leu1734Pro (NM_017890.5); short protein forms L1734P, L1709P.
Identifiers: ClinVar variation 1346322 (VCV001346322.3), dbSNP rs2133812014, ClinGen allele CA371875327.

ClinVar aggregate classification (germline): Uncertain significance (1 of 4 stars; one submission).

Conditions:
Cohen syndrome (COH1). Also called: Cutis verticis gyrata, retinitis pigmentosa, and sensorineural deafness; PEPPER SYNDROME. Identifiers: Orphanet 193, MedGen C0265223, MONDO:0008999, OMIM 216550.

Allele frequency attached by ClinVar (database versions not stated): gnomAD exomes below 0.00001.
gnomAD v4.1: 3 of 1,613,914 alleles (0.00019%); highest among the groups gnomAD compares: Non-Finnish European, 0.00025%; no homozygotes.

Submission:

Labcorp Genetics (formerly Invitae), Labcorp
Classification: Uncertain significance for Cohen syndrome. Last evaluated: 2021-10-22. Review status: criteria provided, single submitter. Criteria: Invitae Variant Classification Sherloc (09022015). Collection method: clinical testing. Allele origin: germline.
Comment: This sequence change replaces leucine with proline at codon 1734 of the VPS13B protein (p.Leu1734Pro). The leucine residue is moderately conserved and there is a moderate physicochemical difference between leucine and proline. This variant is not present in population databases (ExAC no frequency). This variant has not been reported in the literature in individuals affected with VPS13B-related conditions. Algorithms developed to predict the effect of missense changes on protein structure and function are either unavailable or do not agree on the potential impact of this missense change (SIFT: "Not Available"; PolyPhen-2: "Probably Damaging"; Align-GVGD: "Not Available"). In summary, the available evidence is currently insufficient to determine the role of this variant in disease. Therefore, it has been classified as a Variant of Uncertain Significance.